The following is an entry in ClinVar:

ClinVar aggregate classification (germline): Conflicting classifications of pathogenicity. Review status: criteria provided, conflicting classifications (1 of 4 stars). 4 submissions from 4 submitters: Likely pathogenic (1); Uncertain significance (3). Last evaluated 2026-05-13.

Conditions:
TTN-related disorder. Also called: TTN-related condition; TTN-related disease; TTN-related disorders.
Autosomal recessive limb-girdle muscular dystrophy type 2J (LGMDR10). Also called: Limb-girdle muscular dystrophy, type 2J; MUSCULAR DYSTROPHY, LIMB-GIRDLE, AUTOSOMAL RECESSIVE 10. Identifiers: Orphanet 140922, MedGen C1837342, MONDO:0012127, OMIM 608807.
Dilated cardiomyopathy 1G (CMD1G). Identifiers: Orphanet 154, MedGen C1858763, MONDO:0011400, OMIM 604145.

Allele frequency attached by ClinVar (database versions not stated): gnomAD exomes 0.00001; ExAC 0.00002; TOPMed 0.00002; gnomAD 0.00003; ESP Exome Variant Server 0.00008.
gnomAD v4.1: 14 of 1,612,472 alleles (0.00087%); highest among the groups gnomAD compares: Non-Finnish European, 0.0012%; no homozygotes.

Submissions (4):

GeneDx
Classification: Likely pathogenic. Last evaluated: 2026-05-13. Review status: criteria provided, single submitter. Criteria: GeneDx Variant Classification Process June 2021. Collection method: clinical testing. Allele origin: germline.
Comment: Located in the A-band, a region of TTN for which truncating variants are significantly associated with autosomal dominant cardiomyopathy and also with autosomal recessive skeletal myopathies (PMID: 22335739, 32778822); Alters the last nucleotide of the exon and is predicted to destroy the splice donor site and result in aberrant splicing, although in the absence of functional evidence the actual effect of this sequence change is unknown; Not observed at significant frequency in large population cohorts (gnomAD); Has not been previously published as pathogenic or benign to our knowledge; This variant is associated with the following publications: (PMID: 22335739, 32778822)

PreventionGenetics, part of Exact Sciences
Classification: Uncertain significance for TTN-related condition. Last evaluated: 2026-05-01. Review status: criteria provided, single submitter. Criteria: ACMG Guidelines, 2015. Collection method: clinical testing. Allele origin: germline.
Comment: The TTN c.55269G>C variant is predicted to result in the amino acid substitution p.Lys18423Asn. To our knowledge, this variant has not been reported in the literature. This variant is reported in 0.0023% of alleles in individuals of European (Non-Finnish) descent in gnomAD. At this time, the clinical significance of this variant is uncertain due to the absence of conclusive functional and genetic evidence.

Labcorp Genetics (formerly Invitae), Labcorp
Classification: Uncertain significance for Dilated cardiomyopathy 1G; Autosomal recessive limb-girdle muscular dystrophy type 2J. Last evaluated: 2026-01-25. Review status: criteria provided, single submitter. Criteria: Invitae Variant Classification Sherloc (09022015). Collection method: clinical testing. Allele origin: germline.
Comment: This sequence change replaces lysine, which is basic and polar, with asparagine, which is neutral and polar, at codon 18423 of the TTN protein (p.Lys18423Asn). This variant also falls at the last nucleotide of exon 284, which is part of the consensus splice site for this exon. This variant is present in population databases (rs367799017, gnomAD 0.002%). This variant has not been reported in the literature in individuals affected with TTN-related conditions. ClinVar contains an entry for this variant (Variation ID: 47103). Experimental studies and prediction algorithms are not available or were not evaluated, and the functional significance of this variant is currently unknown. Variants that disrupt the consensus splice site are a relatively common cause of aberrant splicing (PMID: 17576681, 9536098). Algorithms developed to predict the effect of sequence changes on RNA splicing suggest that this variant may disrupt the consensus splice site. This variant is located in the A band of TTN (PMID: 25589632). Variants in this region may be relevant for cardiac or neuromuscular disorders (PMID: 25589632, 23975875). In summary, the available evidence is currently insufficient to determine the role of this variant in disease. Therefore, it has been classified as a Variant of Uncertain Significance.

Laboratory for Molecular Medicine, Mass General Brigham Personalized Medicine
Classification: Uncertain significance. Last evaluated: 2012-06-28. Review status: criteria provided, single submitter. Criteria: LMM Criteria. Collection method: clinical testing. Allele origin: germline. Observed: 2 variant alleles.
Comment: The Lys15855Asn variant (TTN) has not been previously reported in the literature . Th is variant has also been identified in 1/6608 European American chromosomes from a broad population sequenced by the NHLBI Exome Sequencing Project (.). This frequency is too low to exclude a role in disease as this could represent a presymptomatic individual. This variant is located one base pair from the 5' splice region. Computational analyses (biochemical amino acid properties, conservation, AlignGVGD, PolyPhen2, and SIFT) predict that it m ay impact the protein and may also alter splicing, though this information is no t predictive enough to determine pathogenicity. In summary, the available data i s consistent with a pathogenic role but is insufficient to rule out a benign rol e. Additional studies are needed to fully assess the clinical significance of th is variant.

Literature cited by the submitters: PubMed 17576681 (cited by Labcorp Genetics (formerly Invitae), Labcorp); PubMed 9536098 (cited by Labcorp Genetics (formerly Invitae), Labcorp); PubMed 25589632 (cited by Labcorp Genetics (formerly Invitae), Labcorp); PubMed 23975875 (cited by Labcorp Genetics (formerly Invitae), Labcorp).

NM_001267550.2(TTN):c.55269G>C (p.Lys18423Asn)

Genes: TTN (titin; minus strand), TTN-AS1 (TTN antisense RNA 1; plus strand). Cytogenetic location: 2q31.2.
Variant type: single nucleotide variant.
Coding change: c.55269G>C on transcript NM_001267550.2 (MANE Select); coding-DNA position 55269, G replaced by C.
Protein change: p.Lys18423Asn; replaces lysine 18423 with asparagine.
Molecular consequence: missense variant.
Genome position (GRCh38, 1-based): chr2:178,602,002, C>G on the plus strand (G>C on the coding strand, the complement: TTN is on the minus strand). VCF-style: chr2-178602002-C-G. GRCh37 (hg19) VCF-style: chr2-179466729-C-G.
Other names: c.47565G>C, p.Lys15855Asn (NM_133378.4); c.50346G>C, p.Lys16782Asn (NM_001256850.1); c.28074G>C, p.Lys9358Asn (NM_003319.4); c.28449G>C, p.Lys9483Asn (NM_133432.3); c.28650G>C, p.Lys9550Asn (NM_133437.4); c.55269G>C (NM_001267550.1); short protein forms K18423N, K15855N, K9358N, K16782N, K9550N, K9483N.
Identifiers: ClinVar variation 47103 (VCV000047103.15), dbSNP rs367799017, ClinGen allele CA140013.